The following is an entry in ClinVar:

NM_013247.5(HTRA2):c.760G>A (p.Gly254Arg)

Genes: HTRA2 (HtrA serine peptidase 2; plus strand), LOC129934143 (ATAC-STARR-seq lymphoblastoid active region 16075; plus strand). Cytogenetic location: 2p13.1.
Variant type: single nucleotide variant.
Coding change: c.760G>A on transcript NM_013247.5 (MANE Select); coding-DNA position 760, G replaced by A.
Protein change: p.Gly254Arg; replaces glycine 254 with arginine.
Molecular consequence: missense variant. On other transcripts: non-coding transcript variant (4), intron variant (1).
Genome position (GRCh38, 1-based): chr2:74,530,959, G>A. VCF-style: chr2-74530959-G-A. GRCh37 (hg19) VCF-style: chr2-74758086-G-A.
Other names: c.711+138G>A (NM_145074.2); c.760G>A, p.Gly254Arg (NM_001321727.1, NM_001321728.1); short protein forms G254R.
Identifiers: ClinVar variation 5020466 (VCV005020466.1).

ClinVar aggregate classification (germline): Uncertain significance (1 of 4 stars; one submission).

gnomAD v4.1: 2 of 1,614,234 alleles (0.00012%); highest among the groups gnomAD compares: Non-Finnish European, 0.00017%; no homozygotes.

Submission:

Dasa
Classification: Uncertain significance. Last evaluated: 2026-05-27. Review status: criteria provided, single submitter. Criteria: DASA Assertion Criteria. Collection method: clinical testing. Allele origin: germline.
Comment: NM_013247.5(HTRA2):c.760G>A (p.Gly254Arg) is a missense variant that results in the substitution of glycine with arginine. This variant is rare in population databases. Computational prediction algorithms are consistent with a deleterious effect. The currently available literature and clinical evidence are not sufficient to establish a definitive association between this variant and the reported condition. Therefore, this variant is classified as a variant of uncertain significance.